The following is an entry in ClinVar:

NM_032977.4(CASP10):c.516C>G (p.Asp172Glu)

Gene: CASP10 (caspase 10; plus strand). Cytogenetic location: 2q33.1.
Variant type: single nucleotide variant.
Coding change: c.516C>G on transcript NM_032977.4 (MANE Select); coding-DNA position 516, C replaced by G.
Protein change: p.Asp172Glu; replaces aspartic acid 172 with glutamic acid.
Molecular consequence: missense variant.
Genome position (GRCh38, 1-based): chr2:201,193,058, C>G. VCF-style: chr2-201193058-C-G. GRCh37 (hg19) VCF-style: chr2-202057781-C-G.
Other names: c.516C>G, p.Asp172Glu (NM_001206524.2, NM_001206542.2, NM_001230.5 and 3 more transcripts); short protein forms D172E.
Identifiers: ClinVar variation 573967 (VCV000573967.12), dbSNP rs1465733324, ClinGen allele CA350278916.

ClinVar aggregate classification (germline): Uncertain significance. Review status: criteria provided, multiple submitters, no conflicts (2 of 4 stars). 2 submissions from 2 submitters: Uncertain significance (2). Last evaluated 2025-11-03.

Conditions:
Autoimmune lymphoproliferative syndrome type 2A (ALPS2A). Also called: CASP10-Related Autoimmune Lymphoproliferative Syndrome; AUTOIMMUNE LYMPHOPROLIFERATIVE SYNDROME, TYPE IIA; Autoimmune lymphoproliferative syndrome type 2. Identifiers: Orphanet 3261, MedGen C1858968, MONDO:0011383, OMIM 603909.

Allele frequency attached by ClinVar (database versions not stated): gnomAD exomes below 0.00001; gnomAD 0.00001; TOPMed 0.00001.
gnomAD v4.1: 12 of 1,613,522 alleles (0.00074%); highest among the groups gnomAD compares: East Asian, 0.0045%; no homozygotes.

Submissions (2):

Labcorp Genetics (formerly Invitae), Labcorp
Classification: Uncertain significance for Autoimmune lymphoproliferative syndrome type 2A. Last evaluated: 2025-11-03. Review status: criteria provided, single submitter. Criteria: Invitae Variant Classification Sherloc (09022015). Collection method: clinical testing. Allele origin: germline.
Comment: This sequence change replaces aspartic acid, which is acidic and polar, with glutamic acid, which is acidic and polar, at codon 172 of the CASP10 protein (p.Asp172Glu). This variant is present in population databases (no rsID available, gnomAD 0.005%). This variant has not been reported in the literature in individuals affected with CASP10-related conditions. ClinVar contains an entry for this variant (Variation ID: 573967). Invitae Evidence Modeling of protein sequence and biophysical properties (such as structural, functional, and spatial information, amino acid conservation, physicochemical variation, residue mobility, and thermodynamic stability) indicates that this missense variant is not expected to disrupt CASP10 protein function with a negative predictive value of 80%. In summary, the available evidence is currently insufficient to determine the role of this variant in disease. Therefore, it has been classified as a Variant of Uncertain Significance.

Ambry Genetics
Classification: Uncertain significance. Last evaluated: 2025-10-06. Review status: criteria provided, single submitter. Criteria: Ambry Variant Classification Scheme 2023. Collection method: clinical testing. Allele origin: germline.